The following is an entry in ClinVar:

NM_019842.4(KCNQ5):c.1498T>C (p.Tyr500His)

Gene: KCNQ5 (potassium voltage-gated channel subfamily Q member 5; plus strand). Cytogenetic location: 6q13.
Variant type: single nucleotide variant.
Coding change: c.1498T>C on transcript NM_019842.4 (MANE Select); coding-DNA position 1498, T replaced by C.
Protein change: p.Tyr500His; replaces tyrosine 500 with histidine.
Molecular consequence: missense variant. On other transcripts: intron variant (1).
Genome position (GRCh38, 1-based): chr6:73,169,775, T>C. VCF-style: chr6-73169775-T-C. GRCh37 (hg19) VCF-style: chr6-73879498-T-C.
Other names: c.1471T>C, p.Tyr491His (NM_001160130.2); c.1528T>C, p.Tyr510His (NM_001160132.2); c.1555T>C, p.Tyr519His (NM_001160133.2); c.1248-20798T>C (NM_001160134.2); short protein forms Y491H, Y500H, Y510H, Y519H.
Identifiers: ClinVar variation 4532679 (VCV004532679.1).

ClinVar aggregate classification (germline): Uncertain significance (1 of 4 stars; one submission).

gnomAD v4.1: 4 of 1,613,780 alleles (0.00025%); highest among the groups gnomAD compares: Non-Finnish European, 0.00025%; no homozygotes.

Submission:

GeneDx
Classification: Uncertain significance. Last evaluated: 2025-05-28. Review status: criteria provided, single submitter. Criteria: GeneDx Variant Classification Process June 2021. Collection method: clinical testing. Allele origin: germline. Affected: yes.
Comment: Not observed at significant frequency in large population cohorts (gnomAD); In silico analysis suggests that this missense variant does not alter protein structure/function; Has not been previously published as pathogenic or benign to our knowledge